The following is an entry in ClinVar:

NM_007375.4(TARDBP):c.931A>G (p.Met311Val)

Gene: TARDBP (TAR DNA binding protein; plus strand). Cytogenetic location: 1p36.22.
Variant type: single nucleotide variant.
Coding change: c.931A>G on transcript NM_007375.4 (MANE Select); coding-DNA position 931, A replaced by G.
Protein change: p.Met311Val; replaces methionine 311 with valine.
Molecular consequence: missense variant.
Genome position (GRCh38, 1-based): chr1:11,022,340, A>G. VCF-style: chr1-11022340-A-G. GRCh37 (hg19) VCF-style: chr1-11082397-A-G.
Other names: short protein forms M311V.
Identifiers: ClinVar variation 21487 (VCV000021487.37), dbSNP rs80356725, ClinGen allele CA17876210.

ClinVar aggregate classification (germline): Conflicting classifications of pathogenicity. Review status: criteria provided, conflicting classifications (1 of 4 stars). 5 submissions from 5 submitters: Likely pathogenic (3); Uncertain significance (1). 1 of the submissions does not count toward it. Last evaluated 2026-08-12.

Conditions:
Amyotrophic lateral sclerosis type 10 (ALS10). Also called: TARDBP-Related Amyotrophic Lateral Sclerosis-Frontotemporal Dementia; AMYOTROPHIC LATERAL SCLEROSIS 10 WITH OR WITHOUT FRONTOTEMPORAL DEMENTIA; Amyotrophic lateral sclerosis 10, with or without FTD; AMYOTROPHIC LATERAL SCLEROSIS 10 WITHOUT FRONTOTEMPORAL DEMENTIA AND WITH TDP43 INCLUSIONS; AMYOTROPHIC LATERAL SCLEROSIS 10 WITH OR WITHOUT FRONTOTEMPORAL DEMENTIA AND WITH TDP43 INCLUSIONS. Identifiers: Orphanet 275872, Orphanet 803, MedGen C2677565, MONDO:0012790, OMIM 612069.
FRONTOTEMPORAL LOBAR DEGENERATION WITH TDP43 INCLUSIONS, TARDBP-RELATED. Also called: Frontotemporal lobar degeneration, TARDBP-related. Identifiers: MedGen C3150169, OMIM 612069.
TARDBP-related disorder. Also called: TARDBP-related condition.
Myopathy. Identifiers: MedGen C0026848, MeSH D009135, MONDO:0005336, HP:0003198.

Allele frequency attached by ClinVar (database versions not stated): TOPMed 0.00001; gnomAD exomes below 0.00001 and 0.00001; gnomAD 0.00001.

Submissions (5):

Broad Center for Mendelian Genomics, Broad Institute of MIT and Harvard
Classification: Uncertain significance for Myopathy. Last evaluated: 2026-08-12. Review status: criteria provided, single submitter. Criteria: ACMG Guidelines, 2015. Collection method: research. Allele origin: germline. Inheritance: Autosomal dominant inheritance. Study: GREGoR Consortium.
Comment: The heterozygous p.Met311Val variant in TARDBP was identified by our study in 2 family members with muscle weakness. The p.Met311Val has been reported in 1 individual with amyotrophic lateral sclerosis, and has been identified in 0.0007% (8/1179874) of European (non-Finnish) chromosomes by the Genome Aggregation Database (gnomAD; dbSNP rs80356725). This variant has been reported in ClinVar (Variation ID: 21487) and has been interpreted as likely pathogenic by Human Genetics Bochum, Ruhr University Bochum, Labcorp Genetics (formerly Invitae), and CeGaT Center for Human Genetics Tuebingen. In vitro functional studies provide some evidence that the p.Met311Val variant may impact protein function (PMID: 28335005). However, these types of assays may not accurately represent biological function. Computational prediction tools and conservation analyses do not provide strong support for or against an impact to the protein. The number of missense variants reported in TARDBP in the general population is lower than expected, suggesting there is little benign variation in this gene and slightly increasing the possibility that a missense variant in this gene may not be tolerated. In summary, the clinical significance of the p.Met311Val variant is uncertain. ACMG/AMP Criteria applied: PS3_supporting, PP2 (Richards 2015).

Labcorp Genetics (formerly Invitae), Labcorp
Classification: Likely pathogenic for Amyotrophic lateral sclerosis type 10; FRONTOTEMPORAL LOBAR DEGENERATION WITH TDP43 INCLUSIONS, TARDBP-RELATED. Last evaluated: 2025-11-21. Review status: criteria provided, single submitter. Criteria: Invitae Variant Classification Sherloc (09022015). Collection method: clinical testing. Allele origin: germline.
Comment: This sequence change replaces methionine, which is neutral and non-polar, with valine, which is neutral and non-polar, at codon 311 of the TARDBP protein (p.Met311Val). This variant is present in population databases (rs80356725, gnomAD 0.0009%). This missense change has been observed in individuals with amyotrophic lateral sclerosis (PMID: 19228676; internal data). ClinVar contains an entry for this variant (Variation ID: 21487). Invitae Evidence Modeling of protein sequence and biophysical properties (such as structural, functional, and spatial information, amino acid conservation, physicochemical variation, residue mobility, and thermodynamic stability) indicates that this missense variant is not expected to disrupt TARDBP protein function with a negative predictive value of 80%. Experimental studies have shown that this missense change affects TARDBP function (PMID: 28335005). In summary, the currently available evidence indicates that the variant is pathogenic, but additional data are needed to prove that conclusively. Therefore, this variant has been classified as Likely Pathogenic.

Human Genetics Bochum, Ruhr University Bochum
Classification: Likely pathogenic for Amyotrophic lateral sclerosis type 10. Last evaluated: 2023-07-24. Review status: criteria provided, single submitter. Criteria: ACMG Guidelines, 2015. Collection method: clinical testing. Allele origin: germline. Affected: yes.
Comment: ACMG criteria used to clasify this variant:PS4_MOD, PM1, PS3_SUP, PM2_SUP

CeGaT Center for Human Genetics Tuebingen
Classification: Likely pathogenic. Last evaluated: 2023-06-01. Review status: criteria provided, single submitter. Criteria: CeGaT Center For Human Genetics Tuebingen Variant Classification Criteria Version 2. Collection method: clinical testing. Allele origin: germline. Affected: yes. Observed: 1 variant allele.
Comment: TARDBP: PM1, PM2, PP1:Moderate, PS4:Moderate, PS3:Supporting

PreventionGenetics, part of Exact Sciences
Classification: Likely pathogenic for TARDBP-related condition. Last evaluated: 2024-09-10. Review status: no assertion criteria provided. Collection method: clinical testing. Allele origin: germline. Not counted in ClinVar's aggregate classification.
Comment: The TARDBP c.931A>G variant is predicted to result in the amino acid substitution p.Met311Val. This variant was reported in an individual with amyotrophic lateral sclerosis (ALS, Lemmens et al. 2009. PubMed ID: 19228676). This variant is located within the conserved C-terminal region of TARDBP, where missense change is not expected to be tolerated and is considered a hot spot for ALS-causing variants (Tiloca et al. 2022. PubMed ID: 36247987). This variant is reported in 0.00088% of alleles in individuals of European (Non-Finnish) descent in gnomAD and has been interpreted as likely pathogenic in ClinVar. This variant is interpreted as likely pathogenic.

Literature cited by the submitters: PubMed 28335005 (cited by Broad Center for Mendelian Genomics, Broad Institute of MIT and Harvard and Labcorp Genetics (formerly Invitae), Labcorp); PubMed 19228676 (cited by Labcorp Genetics (formerly Invitae), Labcorp).